The following is an entry in ClinVar:

NM_005228.5(EGFR):c.1939G>A (p.Ala647Thr)

Gene: EGFR (epidermal growth factor receptor; plus strand). Cytogenetic location: 7p11.2.
Variant type: single nucleotide variant.
Coding change: c.1939G>A on transcript NM_005228.5 (MANE Select); coding-DNA position 1939, G replaced by A.
Protein change: p.Ala647Thr; replaces alanine 647 with threonine.
Molecular consequence: missense variant.
Genome position (GRCh38, 1-based): chr7:55,173,002, G>A. VCF-style: chr7-55173002-G-A. GRCh37 (hg19) VCF-style: chr7-55240695-G-A.
Other names: c.1804G>A, p.Ala602Thr (NM_001346897.2, NM_001346899.2); c.1939G>A, p.Ala647Thr (NM_001346898.2); c.1780G>A, p.Ala594Thr (NM_001346900.2); c.1138G>A, p.Ala380Thr (NM_001346941.2); short protein forms A380T, A602T, A594T, A647T.
Identifiers: ClinVar variation 839611 (VCV000839611.8), dbSNP rs764359156, ClinGen allele CA4265918.

ClinVar aggregate classification (germline): Uncertain significance. Review status: criteria provided, multiple submitters, no conflicts (2 of 4 stars). 2 submissions from 2 submitters: Uncertain significance (2). Last evaluated 2025-12-13.

Conditions:
EGFR-related lung cancer (EGFR). Identifiers: MedGen CN130014.
Hereditary cancer-predisposing syndrome. Also called: Neoplastic Syndromes, Hereditary; Tumor predisposition; Hereditary neoplastic syndrome; Hereditary Cancer Syndrome. Identifiers: Orphanet 140162, MedGen C0027672, MeSH D009386, MONDO:0015356.

Allele frequency attached by ClinVar (database versions not stated): gnomAD exomes below 0.00001; ExAC 0.00001; gnomAD 0.00001; TOPMed 0.00004.
gnomAD v4.1: 10 of 1,613,962 alleles (0.00062%); highest among the groups gnomAD compares: East Asian, 0.0022%; no homozygotes.

Submissions (2):

Labcorp Genetics (formerly Invitae), Labcorp
Classification: Uncertain significance for EGFR-related lung cancer. Last evaluated: 2025-12-13. Review status: criteria provided, single submitter. Criteria: Invitae Variant Classification Sherloc (09022015). Collection method: clinical testing. Allele origin: germline.
Comment: This sequence change replaces alanine, which is neutral and non-polar, with threonine, which is neutral and polar, at codon 647 of the EGFR protein (p.Ala647Thr). This variant is present in population databases (rs764359156, gnomAD 0.003%). This variant has not been reported in the literature in individuals affected with EGFR-related conditions. ClinVar contains an entry for this variant (Variation ID: 839611). Invitae Evidence Modeling of protein sequence and biophysical properties (such as structural, functional, and spatial information, amino acid conservation, physicochemical variation, residue mobility, and thermodynamic stability) indicates that this missense variant is not expected to disrupt EGFR protein function with a negative predictive value of 80%. In summary, the available evidence is currently insufficient to determine the role of this variant in disease. Therefore, it has been classified as a Variant of Uncertain Significance.

Ambry Genetics
Classification: Uncertain significance for Hereditary cancer-predisposing syndrome. Last evaluated: 2024-12-05. Review status: criteria provided, single submitter. Criteria: Ambry Variant Classification Scheme 2023. Collection method: clinical testing. Allele origin: germline.
Comment: The p.A647T variant (also known as c.1939G>A), located in coding exon 17 of the EGFR gene, results from a G to A substitution at nucleotide position 1939. The alanine at codon 647 is replaced by threonine, an amino acid with similar properties. This alteration was identified in an individual diagnosed with lung cancer (Lin X et al. Front Oncol, 2021 Nov;11:774156). This amino acid position is highly conserved in available vertebrate species. In addition, this alteration is predicted to be deleterious by in silico analysis. Based on the available evidence, the clinical significance of this variant remains unclear.

Literature cited by the submitters: PubMed 34869019 (cited by Ambry Genetics).